The following is an entry in ClinVar:

NM_001142864.4(PIEZO1):c.1828C>T (p.Leu610Phe)

Genes: HSALR1 (HSP90AB1 associated lncRNA 1; plus strand), PIEZO1 (piezo type mechanosensitive ion channel component 1 (Er blood group); minus strand). Cytogenetic location: 16q24.3.
Variant type: single nucleotide variant.
Coding change: c.1828C>T on transcript NM_001142864.4 (MANE Select); coding-DNA position 1828, C replaced by T.
Protein change: p.Leu610Phe; replaces leucine 610 with phenylalanine.
Molecular consequence: missense variant.
Genome position (GRCh38, 1-based): chr16:88,734,895, G>A on the plus strand (C>T on the coding strand, the complement: PIEZO1 is on the minus strand). VCF-style: chr16-88734895-G-A. GRCh37 (hg19) VCF-style: chr16-88801303-G-A.
Other names: c.373C>T, p.Leu125Phe (NM_014745.1); c.1828C>T (NM_001142864.2); short protein forms L125F, L610F.
Identifiers: ClinVar variation 2689697 (VCV002689697.8), dbSNP rs747972920, ClinGen allele CA286424842.

ClinVar aggregate classification (germline): Conflicting classifications of pathogenicity. Review status: criteria provided, conflicting classifications (1 of 4 stars). 4 submissions from 4 submitters: Uncertain significance (3); Benign (1). Last evaluated 2025-09-29.

Conditions:
Inborn genetic diseases. Identifiers: MedGen C0950123, MeSH D030342.

Allele frequency attached by ClinVar (database versions not stated): gnomAD exomes 0.00014; gnomAD 0.00016.
gnomAD v4.1: 218 of 1,550,264 alleles (0.014%); highest among the groups gnomAD compares: Non-Finnish European, 0.018%; no homozygotes.

Submissions (4):

Labcorp Genetics (formerly Invitae), Labcorp
Classification: Benign. Last evaluated: 2025-09-29. Review status: criteria provided, single submitter. Criteria: Invitae Variant Classification Sherloc (09022015). Collection method: clinical testing. Allele origin: germline.

ARUP Laboratories, Molecular Genetics and Genomics, ARUP Laboratories
Classification: Uncertain significance. Last evaluated: 2025-05-10. Review status: criteria provided, single submitter. Criteria: ARUP Molecular Germline Variant Investigation Process 2024. Collection method: clinical testing. Allele origin: germline.
Comment: The PIEZO1 c.1828C>T; p.Leu610Phe variant (rs747972920), to our knowledge, is not reported in the medical literature but is reported in ClinVar (Variation ID: 2689697). This variant is found in the non-Finnish European population with an allele frequency of 0.014% (11/75618 alleles) in the Genome Aggregation Database (v2.1.1). Computational analyses predict that this variant is neutral (REVEL: 0.078). Due to limited information, the clinical significance of this variant is uncertain at this time.

Revvity Omics, Revvity
Classification: Uncertain significance. Last evaluated: 2024-06-17. Review status: criteria provided, single submitter. Criteria: ACMG Guidelines, 2015. Collection method: clinical testing. Allele origin: germline.

Ambry Genetics
Classification: Uncertain significance for Inborn genetic diseases. Last evaluated: 2024-05-30. Review status: criteria provided, single submitter. Criteria: Ambry Variant Classification Scheme 2023. Collection method: clinical testing. Allele origin: germline.